The following is an entry in ClinVar:

NM_002292.4(LAMB2):c.4393C>T (p.Arg1465Trp)

Gene: LAMB2 (laminin subunit beta 2; minus strand). Cytogenetic location: 3p21.31.
Variant type: single nucleotide variant.
Coding change: c.4393C>T on transcript NM_002292.4 (MANE Select); coding-DNA position 4393, C replaced by T.
Protein change: p.Arg1465Trp; replaces arginine 1465 with tryptophan.
Molecular consequence: missense variant.
Genome position (GRCh38, 1-based): chr3:49,122,884, G>A on the plus strand (C>T on the coding strand, the complement: LAMB2 is on the minus strand). VCF-style: chr3-49122884-G-A. GRCh37 (hg19) VCF-style: chr3-49160317-G-A.
Other names: short protein forms R1465W.
Identifiers: ClinVar variation 645247 (VCV000645247.6), dbSNP rs771487133, ClinGen allele CA2393799.
Genomic context (GRCh38, chr3:49,122,884, plus strand): 5'-TTGCCTGCCGACGAGTCTCAGCCACTCTGCTGAGGATGCTACCACCTTCTGCCAGTGCCC[G>A]CTGCAGCTCTGCCTGTGTGTGCCGGGCCCGGCCCAGTGCTAGGTCTGCTGTAGCCGCTGC-3'
Protein context (NP_002283.3, residues 1455-1475): RARHTQAELQ[Arg1465Trp]ALAEGGSILS

ClinVar aggregate classification (germline): Uncertain significance (1 of 4 stars; one submission).

Conditions:
Pierson syndrome. Also called: MICROCORIA-CONGENITAL NEPHROTIC SYNDROME. Identifiers: Orphanet 2670, MedGen C1836876, MONDO:0012184, OMIM 609049.
LAMB2-related infantile-onset nephrotic syndrome. Also called: NEPHROTIC SYNDROME, TYPE 5, WITHOUT OCULAR ABNORMALITIES; NEPHROTIC SYNDROME, TYPE 5, WITH OCULAR ABNORMALITIES; Nephrotic Syndrome, type 5. Identifiers: Orphanet 306507, MedGen C3280113, MONDO:0013621, OMIM 614199.

Allele frequency attached by ClinVar (database versions not stated): ExAC 0.00001; gnomAD 0.00001 and 0.00002; gnomAD exomes 0.00001; TOPMed 0.00002.
gnomAD v4.1: 17 of 1,610,402 alleles (0.0011%); highest among the groups gnomAD compares: African/African-American, 0.0053%; no homozygotes.

Submission:

Labcorp Genetics (formerly Invitae), Labcorp
Classification: Uncertain significance for LAMB2-related infantile-onset nephrotic syndrome; Pierson syndrome. Last evaluated: 2024-01-22. Review status: criteria provided, single submitter. Criteria: Invitae Variant Classification Sherloc (09022015). Collection method: clinical testing. Allele origin: germline.
Comment: This sequence change replaces arginine, which is basic and polar, with tryptophan, which is neutral and slightly polar, at codon 1465 of the LAMB2 protein (p.Arg1465Trp). This variant is present in population databases (rs771487133, gnomAD 0.007%). This variant has not been reported in the literature in individuals affected with LAMB2-related conditions. ClinVar contains an entry for this variant (Variation ID: 645247). An algorithm developed to predict the effect of missense changes on protein structure and function (PolyPhen-2) suggests that this variant is likely to be disruptive. In summary, the available evidence is currently insufficient to determine the role of this variant in disease. Therefore, it has been classified as a Variant of Uncertain Significance.